The following is an entry in ClinVar:

NM_022356.4(P3H1):c.1839-9C>T

Gene: P3H1 (prolyl 3-hydroxylase 1; minus strand). Cytogenetic location: 1p34.2.
Variant type: single nucleotide variant.
Coding change: c.1839-9C>T on transcript NM_022356.4 (MANE Select); 9 bases into the intron before coding-DNA position 1839, C replaced by T.
Molecular consequence: intron variant.
Genome position (GRCh38, 1-based): chr1:42,747,807, G>A on the plus strand (C>T on the coding strand, the complement: P3H1 is on the minus strand). VCF-style: chr1-42747807-G-A. GRCh37 (hg19) VCF-style: chr1-43213478-G-A.
Other names: c.1839-9C>T (NM_001146289.2, NM_001243246.2, NM_022356.3).
Identifiers: ClinVar variation 3019082 (VCV003019082.4), dbSNP rs779359787, ClinGen allele CA522492960.

ClinVar aggregate classification (germline): Likely benign. Review status: criteria provided, multiple submitters, no conflicts (2 of 4 stars). 2 submissions from 2 submitters: Likely benign (2). Last evaluated 2026-03-20.

Conditions:
P3H1-related disorder. Also called: P3H1-related condition.
Osteogenesis imperfecta type 8 (OI8). Identifiers: MedGen C1970458, MONDO:0012581, OMIM 610915.

Allele frequency attached by ClinVar (database versions not stated): gnomAD exomes below 0.00001.
gnomAD v4.1: 5 of 1,613,800 alleles (0.00031%); highest among the groups gnomAD compares: African/African-American, 0.004%; no homozygotes.

Submissions (2):

PreventionGenetics, part of Exact Sciences
Classification: Likely benign for P3H1-related condition. Last evaluated: 2026-03-20. Review status: criteria provided, single submitter. Criteria: ACMG Guidelines, 2015. Collection method: clinical testing. Allele origin: germline.
Comment: This variant is classified as likely benign based on ACMG/AMP sequence variant interpretation guidelines (Richards et al. 2015 PMID: 25741868, with internal and published modifications).

Labcorp Genetics (formerly Invitae), Labcorp
Classification: Likely benign for Osteogenesis imperfecta type 8. Last evaluated: 2024-02-13. Review status: criteria provided, single submitter. Criteria: Invitae Variant Classification Sherloc (09022015). Collection method: clinical testing. Allele origin: germline.